The following is an entry in ClinVar:

NM_001142800.2(EYS):c.6725G>A (p.Arg2242His)

Gene: EYS (EGF-like photoreceptor maintenance factor; minus strand). Cytogenetic location: 6q12.
Variant type: single nucleotide variant.
Coding change: c.6725G>A on transcript NM_001142800.2 (MANE Select); coding-DNA position 6725, G replaced by A.
Protein change: p.Arg2242His; replaces arginine 2242 with histidine.
Molecular consequence: missense variant.
Genome position (GRCh38, 1-based): chr6:64,066,338, C>T on the plus strand (G>A on the coding strand, the complement: EYS is on the minus strand). VCF-style: chr6-64066338-C-T. GRCh37 (hg19) VCF-style: chr6-64776231-C-T.
Other names: c.6725G>A, p.Arg2242His (NM_001292009.2); short protein forms R2242H.
Identifiers: ClinVar variation 855867 (VCV000855867.10), dbSNP rs1771368413, ClinGen allele CA364389377.

ClinVar aggregate classification (germline): Uncertain significance. Review status: criteria provided, single submitter (1 of 4 stars). 2 submissions from 2 submitters: Uncertain significance (1). 1 of the submissions does not count toward it. Last evaluated 2024-02-24.

Conditions:
Retinitis pigmentosa 25 (RP25). Identifiers: Orphanet 791, MedGen C1864446, MONDO:0011272, OMIM 602772.

Allele frequency attached by ClinVar (database versions not stated): TOPMed below 0.00001; gnomAD exomes below 0.00001.
gnomAD v4.1: 4 of 1,548,226 alleles (0.00026%); highest among the groups gnomAD compares: Middle Eastern, 0.017%; no homozygotes.

Submissions (2):

Labcorp Genetics (formerly Invitae), Labcorp
Classification: Uncertain significance. Last evaluated: 2024-02-24. Review status: criteria provided, single submitter. Criteria: Invitae Variant Classification Sherloc (09022015). Collection method: clinical testing. Allele origin: germline.
Comment: This sequence change replaces arginine, which is basic and polar, with histidine, which is basic and polar, at codon 2242 of the EYS protein (p.Arg2242His). This variant also falls at the last nucleotide of exon 33, which is part of the consensus splice site for this exon. This variant is not present in population databases (gnomAD no frequency). This variant has not been reported in the literature in individuals affected with EYS-related conditions. ClinVar contains an entry for this variant (Variation ID: 855867). Algorithms developed to predict the effect of missense changes on protein structure and function output the following: SIFT: "Not Available"; PolyPhen-2: "Benign"; Align-GVGD: "Not Available". The histidine amino acid residue is found in multiple mammalian species, which suggests that this missense change does not adversely affect protein function. Variants that disrupt the consensus splice site are a relatively common cause of aberrant splicing (PMID: 17576681, 9536098). Algorithms developed to predict the effect of sequence changes on RNA splicing suggest that this variant may disrupt the consensus splice site. In summary, the available evidence is currently insufficient to determine the role of this variant in disease. Therefore, it has been classified as a Variant of Uncertain Significance.

Natera, Inc.
Classification: Uncertain significance for Retinitis pigmentosa type 25. Last evaluated: 2021-03-17. Review status: no assertion criteria provided. Collection method: clinical testing. Allele origin: germline. Not counted in ClinVar's aggregate classification.

Literature cited by the submitters: PubMed 17576681 (cited by Labcorp Genetics (formerly Invitae), Labcorp); PubMed 9536098 (cited by Labcorp Genetics (formerly Invitae), Labcorp).